The following is an entry in ClinVar:

NM_152309.3(PIK3AP1):c.1499A>G (p.Glu500Gly)

Gene: PIK3AP1 (phosphoinositide-3-kinase adaptor protein 1; minus strand). Cytogenetic location: 10q24.1.
Variant type: single nucleotide variant.
Coding change: c.1499A>G on transcript NM_152309.3 (MANE Select); coding-DNA position 1499, A replaced by G.
Protein change: p.Glu500Gly; replaces glutamic acid 500 with glycine.
Molecular consequence: missense variant.
Genome position (GRCh38, 1-based): chr10:96,626,878, T>C on the plus strand (A>G on the coding strand, the complement: PIK3AP1 is on the minus strand). VCF-style: chr10-96626878-T-C. GRCh37 (hg19) VCF-style: chr10-98386635-T-C.
Other names: short protein forms E500G.
Identifiers: ClinVar variation 569316 (VCV000569316.12), dbSNP rs185079778, ClinGen allele CA212607290.

ClinVar aggregate classification (germline): Uncertain significance (1 of 4 stars; one submission).

Conditions:
Infantile spasms. Also called: Infantile spasm. Identifiers: MedGen C3887898, HP:0012469.

Allele frequency attached by ClinVar (database versions not stated): gnomAD 0.00002; TOPMed 0.00002; 1000 Genomes Project 0.00020; gnomAD exomes 0.00001; 1000 Genomes Project 30x 0.00016.
gnomAD v4.1: 13 of 1,614,160 alleles (0.00081%); highest among the groups gnomAD compares: African/African-American, 0.004%; no homozygotes.

Submission:

Labcorp Genetics (formerly Invitae), Labcorp
Classification: Uncertain significance for Infantile spasms. Last evaluated: 2022-04-13. Review status: criteria provided, single submitter. Criteria: Invitae Variant Classification Sherloc (09022015). Collection method: clinical testing. Allele origin: germline.
Comment: In summary, the available evidence is currently insufficient to determine the role of this variant in disease. Therefore, it has been classified as a Variant of Uncertain Significance. Algorithms developed to predict the effect of missense changes on protein structure and function (SIFT, PolyPhen-2, Align-GVGD) all suggest that this variant is likely to be tolerated. ClinVar contains an entry for this variant (Variation ID: 569316). This variant has not been reported in the literature in individuals affected with PIK3AP1-related conditions. This variant is present in population databases (rs185079778, gnomAD 0.002%). This sequence change replaces glutamic acid, which is acidic and polar, with glycine, which is neutral and non-polar, at codon 500 of the PIK3AP1 protein (p.Glu500Gly).